The following is an entry in ClinVar:

ClinVar aggregate classification (germline): Pathogenic/Likely pathogenic. Review status: criteria provided, multiple submitters, no conflicts (2 of 4 stars). 2 submissions from 2 submitters: Pathogenic (1); Likely pathogenic (1). Last evaluated 2024-03-04.

Submissions (2):

ARUP Laboratories, Molecular Genetics and Genomics, ARUP Laboratories
Classification: Likely pathogenic. Last evaluated: 2024-03-04. Review status: criteria provided, single submitter. Criteria: ARUP Molecular Germline Variant Investigation Process 2024. Collection method: clinical testing. Allele origin: germline.
Comment: The KCNQ2 c.297del; p.Phe100SerfsTer33 variant (rs886041611) to our knowledge, is not reported in the medical literature but is reported in ClinVar (Variation ID: 280397). This variant is absent from the Genome Aggregation Database (v2.1.1), indicating it is not a common polymorphism. This variant causes a frameshift by deleting a single nucleotide, so it is predicted to result in a truncated protein or mRNA subject to nonsense-mediated decay. Based on available information, this variant is considered to be likely pathogenic.

GeneDx
Classification: Pathogenic. Last evaluated: 2023-02-23. Review status: criteria provided, single submitter. Criteria: GeneDx Variant Classification Process June 2021. Collection method: clinical testing. Allele origin: germline. Affected: yes.
Comment: Frameshift variant predicted to result in protein truncation or nonsense mediated decay in a gene for which loss of function is a known mechanism of disease; Not observed at significant frequency in large population cohorts (gnomAD); Has not been previously published as pathogenic or benign to our knowledge

NC_000020.11:g.63446838del

Gene: KCNQ2 (potassium voltage-gated channel subfamily Q member 2; minus strand). Cytogenetic location: 20q13.33.
Variant type: Deletion.
Genome position: GRCh38 VCF-style: chr20-63446836-AC-A. GRCh37 (hg19) VCF-style: chr20-62078189-AC-A.
Other names: c.297delG (NM_172107.2).
Identifiers: ClinVar variation 280397 (VCV000280397.6), dbSNP rs886041611, ClinGen allele CA10603370.